The following is an entry in ClinVar:

NC_000011.10:g.32366241A>G

Gene: WT1 (WT1 transcription factor; minus strand). Cytogenetic location: 11p13.
Variant type: single nucleotide variant.
Genome position: GRCh38 VCF-style: chr11-32366241-A-G. GRCh37 (hg19) VCF-style: chr11-32387787-A-G.
Identifiers: ClinVar variation 2641703 (VCV002641703.24), dbSNP rs192608967, ClinGen allele CA220343227.

ClinVar aggregate classification (germline): Benign (1 of 4 stars; one submission).

Allele frequency attached by ClinVar (database versions not stated): gnomAD 0.00303; TOPMed 0.00378; 1000 Genomes Project 30x 0.00562.

Submission:

CeGaT Center for Human Genetics Tuebingen
Classification: Benign. Last evaluated: 2022-07-01. Review status: criteria provided, single submitter. Criteria: CeGaT Center For Human Genetics Tuebingen Variant Classification Criteria Version 2. Collection method: clinical testing. Allele origin: germline. Affected: yes. Observed: 4 variant alleles.
Comment: WT1: BS1, BS2